The following is an entry in ClinVar:

NM_201253.3(CRB1):c.1003C>T (p.Gln335Ter)

Gene: CRB1 (crumbs cell polarity complex component 1; plus strand). Cytogenetic location: 1q31.3.
Variant type: single nucleotide variant.
Coding change: c.1003C>T on transcript NM_201253.3 (MANE Select); coding-DNA position 1003, C replaced by T.
Protein change: p.Gln335Ter; replaces glutamine 335 with a stop codon.
Molecular consequence: nonsense. On other transcripts: non-coding transcript variant (2).
Genome position (GRCh38, 1-based): chr1:197,356,845, C>T. VCF-style: chr1-197356845-C-T. GRCh37 (hg19) VCF-style: chr1-197325975-C-T.
Other names: c.667C>T, p.Gln223Ter (NM_001193640.2); c.796C>T, p.Gln266Ter (NM_001257965.2); c.1003C>T, p.Gln335Ter (NM_001257966.2); short protein forms Q223*, Q266*, Q335*.
Identifiers: ClinVar variation 2680993 (VCV002680993.3), dbSNP rs2527715135, ClinGen allele CA344084324.
Genomic context (GRCh38, chr1:197,356,845, plus strand): 5'-TTCAACACCTTTGACTTAGCAGCTTCTCTGAATTTTCATCATGCAGGATACACAGGTGCC[C>T]AGTGTGAGATCGACCTCAATGAATGCAATAGTAACCCCTGCCAGTCCAATGGGGAATGTG-3'

ClinVar aggregate classification (germline): Pathogenic/Likely pathogenic. Review status: criteria provided, multiple submitters, no conflicts (2 of 4 stars). 2 submissions from 2 submitters: Pathogenic (1); Likely pathogenic (1). Last evaluated 2025-03-04.

Conditions:
Leber congenital amaurosis 8 (LCA8). Identifiers: Orphanet 65, MedGen C3151202, MONDO:0013453, OMIM 613835.
Retinitis pigmentosa 12 (RP12). Also called: RP WITH OR WITHOUT PRESERVED PARAARTERIOLE RETINAL PIGMENT EPITHELIUM; RETINITIS PIGMENTOSA WITH OR WITHOUT PARAARTERIOLAR PRESERVATION OF RETINAL PIGMENT EPITHELIUM; RP WITH OR WITHOUT PPRPE. Identifiers: Orphanet 791, MedGen C1838647, MONDO:0010818, OMIM 600105.

Submissions (2):

Labcorp Genetics (formerly Invitae), Labcorp
Classification: Pathogenic for Leber congenital amaurosis 8; Retinitis pigmentosa 12. Last evaluated: 2025-03-04. Review status: criteria provided, single submitter. Criteria: Invitae Variant Classification Sherloc (09022015). Collection method: clinical testing. Allele origin: germline.
Comment: This sequence change creates a premature translational stop signal (p.Gln335*) in the CRB1 gene. It is expected to result in an absent or disrupted protein product. Loss-of-function variants in CRB1 are known to be pathogenic (PMID: 10508521, 22065545, 23379534, 25412400, 26957898, 28041643, 29391521). This variant is not present in population databases (gnomAD no frequency). This variant has not been reported in the literature in individuals affected with CRB1-related conditions. ClinVar contains an entry for this variant (Variation ID: 2680993). For these reasons, this variant has been classified as Pathogenic.

Baylor Genetics
Classification: Likely pathogenic for Leber congenital amaurosis 8. Last evaluated: 2022-07-07. Review status: criteria provided, single submitter. Criteria: ACMG Guidelines, 2015. Collection method: clinical testing. Allele origin: unknown.

Literature cited by the submitters: PubMed 10508521 (cited by Labcorp Genetics (formerly Invitae), Labcorp); PubMed 22065545 (cited by Labcorp Genetics (formerly Invitae), Labcorp); PubMed 23379534 (cited by Labcorp Genetics (formerly Invitae), Labcorp); PubMed 25412400 (cited by Labcorp Genetics (formerly Invitae), Labcorp); PubMed 26957898 (cited by Labcorp Genetics (formerly Invitae), Labcorp); PubMed 28041643 (cited by Labcorp Genetics (formerly Invitae), Labcorp); PubMed 29391521 (cited by Labcorp Genetics (formerly Invitae), Labcorp).